The following is an entry in ClinVar:

NM_152564.5(VPS13B):c.11886C>G (p.Pro3962=)

Gene: VPS13B (vacuolar protein sorting 13 homolog B; plus strand). Cytogenetic location: 8q22.2.
Variant type: single nucleotide variant.
Coding change: c.11886C>G on transcript NM_152564.5 (MANE Select); coding-DNA position 11886, C replaced by G.
Protein change: p.Pro3962=; no amino-acid change (proline 3962 retained).
Molecular consequence: synonymous variant.
Genome position (GRCh38, 1-based): chr8:99,875,558, C>G. VCF-style: chr8-99875558-C-G. GRCh37 (hg19) VCF-style: chr8-100887786-C-G.
Other names: c.11961C>G, p.Pro3987= (NM_017890.5).
Identifiers: ClinVar variation 2165895 (VCV002165895.6), dbSNP rs755231498, ClinGen allele CA4825368.

ClinVar aggregate classification (germline): Likely benign. Review status: criteria provided, multiple submitters, no conflicts (2 of 4 stars). 3 submissions from 3 submitters: Likely benign (3). Last evaluated 2025-10-09.

Conditions:
VPS13B-related disorder. Also called: VPS13B-related condition.
Cohen syndrome (COH1). Also called: PEPPER SYNDROME; Cutis verticis gyrata, retinitis pigmentosa, and sensorineural deafness. Identifiers: Orphanet 193, MedGen C0265223, MONDO:0008999, OMIM 216550.

Allele frequency attached by ClinVar (database versions not stated): gnomAD exomes below 0.00001; TOPMed below 0.00001; ExAC 0.00001.
gnomAD v4.1: 2 of 1,614,190 alleles (0.00012%); highest among the groups gnomAD compares: East Asian, 0.0022%; no homozygotes.

Submissions (3):

PreventionGenetics, part of Exact Sciences
Classification: Likely benign for VPS13B-related condition. Last evaluated: 2025-10-09. Review status: criteria provided, single submitter. Criteria: ACMG Guidelines, 2015. Collection method: clinical testing. Allele origin: germline.
Comment: This variant is classified as likely benign based on ACMG/AMP sequence variant interpretation guidelines (Richards et al. 2015 PMID: 25741868, with internal and published modifications).

Labcorp Genetics (formerly Invitae), Labcorp
Classification: Likely benign for Cohen syndrome. Last evaluated: 2023-08-07. Review status: criteria provided, single submitter. Criteria: Invitae Variant Classification Sherloc (09022015). Collection method: clinical testing. Allele origin: germline.

Blueprint Genetics
Classification: Likely benign. Last evaluated: 2023-02-28. Review status: criteria provided, single submitter. Criteria: ACMG Guidelines, 2015. Collection method: clinical testing. Allele origin: germline.